The following is an entry in ClinVar:

NM_001206927.2(DNAH8):c.11184C>G (p.Pro3728=)

Genes: DNAH8 (dynein axonemal heavy chain 8; plus strand), DNAH8-AS1 (DNAH8 antisense RNA 1; minus strand). Cytogenetic location: 6p21.2.
Variant type: single nucleotide variant.
Coding change: c.11184C>G on transcript NM_001206927.2 (MANE Select); coding-DNA position 11184, C replaced by G.
Protein change: p.Pro3728=; no amino-acid change (proline 3728 retained).
Molecular consequence: synonymous variant.
Genome position (GRCh38, 1-based): chr6:38,929,576, C>G. VCF-style: chr6-38929576-C-G. GRCh37 (hg19) VCF-style: chr6-38897352-C-G.
Other names: c.10533C>G, p.Pro3511= (NM_001371.4).
Identifiers: ClinVar variation 414431 (VCV000414431.37), dbSNP rs114401631, ClinGen allele CA3790950.

ClinVar aggregate classification (germline): Likely benign. Review status: criteria provided, multiple submitters, no conflicts (2 of 4 stars). 3 submissions from 3 submitters: Likely benign (2). 1 of the submissions does not count toward it. Last evaluated 2025-10-12.

Conditions:
DNAH8-related disorder. Also called: DNAH8-related condition.
Primary ciliary dyskinesia. Also called: Ciliary dyskinesia. Identifiers: Orphanet 244, MedGen C0008780, MONDO:0016575, HP:0012265.

Allele frequency attached by ClinVar (database versions not stated): 1000 Genomes Project 30x 0.00047; 1000 Genomes Project 0.00060; TOPMed 0.00061; ESP Exome Variant Server 0.00062.
gnomAD v4.1: 1,122 of 1,612,532 alleles (0.07%); highest among the groups gnomAD compares: Non-Finnish European, 0.086%; 1 homozygote.

Submissions (3):

Labcorp Genetics (formerly Invitae), Labcorp
Classification: Likely benign for Primary ciliary dyskinesia. Last evaluated: 2025-10-12. Review status: criteria provided, single submitter. Criteria: Invitae Variant Classification Sherloc (09022015). Collection method: clinical testing. Allele origin: germline.

CeGaT Center for Human Genetics Tuebingen
Classification: Likely benign. Last evaluated: 2022-10-01. Review status: criteria provided, single submitter. Criteria: CeGaT Center For Human Genetics Tuebingen Variant Classification Criteria Version 2. Collection method: clinical testing. Allele origin: germline. Affected: yes. Observed: 1 variant allele.
Comment: DNAH8: BP4, BP7

PreventionGenetics, part of Exact Sciences
Classification: Likely benign for DNAH8-related condition. Last evaluated: 2019-08-28. Review status: no assertion criteria provided. Collection method: clinical testing. Allele origin: germline. Not counted in ClinVar's aggregate classification.
Comment: This variant is classified as likely benign based on ACMG/AMP sequence variant interpretation guidelines (Richards et al. 2015 PMID: 25741868, with internal and published modifications).